The following is an entry in ClinVar:

ClinVar aggregate classification (germline): Uncertain significance (1 of 4 stars; one submission).

Submission:

GeneDx
Classification: Uncertain significance. Last evaluated: 2024-09-17. Review status: criteria provided, single submitter. Criteria: GeneDx Variant Classification Process June 2021. Collection method: clinical testing. Allele origin: germline. Affected: yes.
Comment: Not observed at significant frequency in large population cohorts (gnomAD); In silico analysis supports that this missense variant has a deleterious effect on protein structure/function; Has not been previously published as pathogenic or benign to our knowledge

NM_001042545.2(LTBP4):c.4634A>G (p.His1545Arg)

Gene: LTBP4 (latent transforming growth factor beta binding protein 4; plus strand). Cytogenetic location: 19q13.2.
Variant type: single nucleotide variant.
Coding change: c.4634A>G on transcript NM_001042545.2 (MANE Select); coding-DNA position 4634, A replaced by G.
Protein change: p.His1545Arg; replaces histidine 1545 with arginine.
Molecular consequence: missense variant.
Genome position (GRCh38, 1-based): chr19:40,629,510, A>G. VCF-style: chr19-40629510-A-G. GRCh37 (hg19) VCF-style: chr19-41135415-A-G.
Other names: c.4835A>G, p.His1612Arg (NM_001042544.1); c.4724A>G, p.His1575Arg (NM_003573.2); short protein forms H1545R, H1575R, H1612R.
Identifiers: ClinVar variation 3769769 (VCV003769769.1).